The following is an entry in ClinVar:

ClinVar aggregate classification (germline): Uncertain significance (1 of 4 stars; one submission).

Conditions:
Hereditary cancer-predisposing syndrome. Also called: Tumor predisposition; Neoplastic Syndromes, Hereditary; Hereditary neoplastic syndrome; Hereditary Cancer Syndrome. Identifiers: Orphanet 140162, MedGen C0027672, MeSH D009386, MONDO:0015356.

Submission:

Labcorp Genetics (formerly Invitae), Labcorp
Classification: Uncertain significance for Hereditary cancer-predisposing syndrome. Last evaluated: 2021-04-10. Review status: criteria provided, single submitter. Criteria: Invitae Variant Classification Sherloc (09022015). Collection method: clinical testing. Allele origin: germline.
Comment: In summary, the available evidence is currently insufficient to determine the role of this variant in disease. Therefore, it has been classified as a Variant of Uncertain Significance. Experimental studies and prediction algorithms are not available or were not evaluated, and the functional significance of this variant is currently unknown. This variant has not been reported in the literature in individuals with RAD50-related conditions. This variant is not present in population databases (ExAC no frequency). This variant, c.380_381insGAA, results in the insertion of 1 amino acid(s) to the RAD50 protein (p.Val127_Ser128insAsn), but otherwise preserves the integrity of the reading frame.

NM_005732.4(RAD50):c.380_381insGAA (p.Val127_Ser128insAsn)

Gene: RAD50 (RAD50 double strand break repair protein; plus strand). Cytogenetic location: 5q31.1.
Variant type: Insertion.
Coding change: c.380_381insGAA on transcript NM_005732.4 (MANE Select); coding-DNA positions 380 to 381, GAA inserted.
Protein change: p.Val127_Ser128insAsn.
Molecular consequence: inframe insertion.
Genome position: GRCh38 VCF-style: chr5-132579331-T-TGAA. GRCh37 (hg19) VCF-style: chr5-131915023-T-TGAA.
Identifiers: ClinVar variation 1516027 (VCV001516027.8), dbSNP rs2149837696, ClinGen allele CA2573139071.